The following is an entry in ClinVar:

NM_001278116.2(L1CAM):c.2360A>G (p.Lys787Arg)

Gene: L1CAM (L1 cell adhesion molecule; minus strand). Cytogenetic location: Xq28.
Variant type: single nucleotide variant.
Coding change: c.2360A>G on transcript NM_001278116.2 (MANE Select); coding-DNA position 2360, A replaced by G.
Protein change: p.Lys787Arg; replaces lysine 787 with arginine.
Molecular consequence: missense variant.
Genome position (GRCh38, 1-based): chrX:153,866,720, T>C on the plus strand (A>G on the coding strand, the complement: L1CAM is on the minus strand). VCF-style: chrX-153866720-T-C. GRCh37 (hg19) VCF-style: chrX-153132175-T-C.
Other names: c.2360A>G, p.Lys787Arg (NM_000425.5, NM_024003.3); c.2345A>G, p.Lys782Arg (NM_001143963.2); short protein forms K782R, K787R.
Identifiers: ClinVar variation 3666229 (VCV003666229.2).

ClinVar aggregate classification (germline): Uncertain significance (1 of 4 stars; one submission).

Conditions:
Spastic paraplegia. Identifiers: MedGen C0037772, HP:0001258.

Submission:

Labcorp Genetics (formerly Invitae), Labcorp
Classification: Uncertain significance for Spastic paraplegia. Last evaluated: 2025-07-31. Review status: criteria provided, single submitter. Criteria: Invitae Variant Classification Sherloc (09022015). Collection method: clinical testing. Allele origin: germline.
Comment: This sequence change replaces lysine, which is basic and polar, with arginine, which is basic and polar, at codon 787 of the L1CAM protein (p.Lys787Arg). This variant is not present in population databases (gnomAD no frequency). This variant has not been reported in the literature in individuals affected with L1CAM-related conditions. ClinVar contains an entry for this variant (Variation ID: 3666229). Invitae Evidence Modeling of protein sequence and biophysical properties (such as structural, functional, and spatial information, amino acid conservation, physicochemical variation, residue mobility, and thermodynamic stability) indicates that this missense variant is not expected to disrupt L1CAM protein function with a negative predictive value of 95%. In summary, the available evidence is currently insufficient to determine the role of this variant in disease. Therefore, it has been classified as a Variant of Uncertain Significance.